The following is an entry in ClinVar:

ClinVar aggregate classification (germline): Uncertain significance (1 of 4 stars; one submission).

Allele frequency attached by ClinVar (database versions not stated): gnomAD exomes below 0.00001.
gnomAD v4.1: 5 of 1,602,724 alleles (0.00031%); highest among the groups gnomAD compares: Non-Finnish European, 0.00043%; no homozygotes.

Submission:

GeneDx
Classification: Uncertain significance. Last evaluated: 2024-05-20. Review status: criteria provided, single submitter. Criteria: GeneDx Variant Classification Process June 2021. Collection method: clinical testing. Allele origin: germline. Affected: yes.
Comment: Not observed at significant frequency in large population cohorts (gnomAD); In silico analysis supports that this missense variant has a deleterious effect on protein structure/function; Has not been previously published as pathogenic or benign to our knowledge

NM_001393769.1(MED12L):c.1636G>A (p.Glu546Lys)

Gene: MED12L (mediator complex subunit 12L; plus strand). Cytogenetic location: 3q25.1.
Variant type: single nucleotide variant.
Coding change: c.1636G>A on transcript NM_001393769.1 (MANE Select); coding-DNA position 1636, G replaced by A.
Protein change: p.Glu546Lys; replaces glutamic acid 546 with lysine.
Molecular consequence: missense variant.
Genome position (GRCh38, 1-based): chr3:151,188,363, G>A. VCF-style: chr3-151188363-G-A. GRCh37 (hg19) VCF-style: chr3-150906150-G-A.
Other names: c.1636G>A, p.Glu546Lys (NM_053002.6); short protein forms E546K.
Identifiers: ClinVar variation 2442444 (VCV002442444.2), dbSNP rs2530985550, ClinGen allele CA354960684.